The following is an entry in ClinVar:

NM_001365276.2(TNXB):c.10122G>A (p.Ser3374=)

Gene: TNXB (tenascin XB; minus strand). Cytogenetic location: 6p21.33.
Variant type: single nucleotide variant.
Coding change: c.10122G>A on transcript NM_001365276.2 (MANE Select); coding-DNA position 10122, G replaced by A.
Protein change: p.Ser3374=; no amino-acid change (serine 3374 retained).
Molecular consequence: synonymous variant.
Genome position (GRCh38, 1-based): chr6:32,047,936, C>T on the plus strand (G>A on the coding strand, the complement: TNXB is on the minus strand). VCF-style: chr6-32047936-C-T. GRCh37 (hg19) VCF-style: chr6-32015713-C-T.
Other names: p.Ser3372=; c.10863G>A, p.Ser3621= (NM_001428335.1); c.10116G>A, p.Ser3372= (NM_019105.8).
Identifiers: ClinVar variation 3227221 (VCV003227221.4), dbSNP rs779983804, ClinGen allele CA3733301.
Genomic context (GRCh38, chr6:32,047,936, plus strand): 5'-ACCATCCTTATCCTTGTACTGGACCACGAAGGAGTCGAATTCGCCCTCAGGGACCGTCCA[C>T]GAGAGGCCCACGGAGTCAGGGGTCGCATCTGTCACAGTCAGCTCCCCCAGGCGGGGAGAC-3'
Protein context (NP_001352205.1, residues 3364-3384): TDATPDSVGL[Ser3374=]WTVPEGEFDS

ClinVar aggregate classification (germline): Likely benign. Review status: criteria provided, multiple submitters, no conflicts (2 of 4 stars). 4 submissions from 4 submitters: Likely benign (4). Last evaluated 2026-03-30.

Conditions:
Cardiovascular phenotype. Identifiers: MedGen CN230736.

Allele frequency attached by ClinVar (database versions not stated): ExAC 0.00003; TOPMed 0.00004; gnomAD 0.00005.
gnomAD v4.1: 35 of 1,612,312 alleles (0.0022%); highest among the groups gnomAD compares: Admixed American, 0.013%; no homozygotes.

Submissions (4):

Women's Health and Genetics/Laboratory Corporation of America, LabCorp
Classification: Likely benign. Last evaluated: 2026-03-30. Review status: criteria provided, single submitter. Criteria: LabCorp Variant Classification Summary - May 2015. Collection method: clinical testing. Allele origin: germline.

Labcorp Genetics (formerly Invitae), Labcorp
Classification: Likely benign. Last evaluated: 2026-01-16. Review status: criteria provided, single submitter. Criteria: Invitae Variant Classification Sherloc (09022015). Collection method: clinical testing. Allele origin: germline.

Mayo Clinic Laboratories, Mayo Clinic
Classification: Likely benign. Last evaluated: 2025-04-28. Review status: criteria provided, single submitter. Criteria: ACMG Guidelines, 2015. Collection method: clinical testing. Allele origin: germline. Observed: 1 variant allele.
Comment: BP4, BP7

Ambry Genetics
Classification: Likely benign for Cardiovascular phenotype. Last evaluated: 2020-06-03. Review status: criteria provided, single submitter. Criteria: Ambry Variant Classification Scheme 2023. Collection method: clinical testing. Allele origin: germline.